The following is an entry in ClinVar:

ClinVar aggregate classification (germline): Uncertain significance (1 of 4 stars; one submission).

Submission:

Ambry Genetics
Classification: Uncertain significance. Last evaluated: 2026-08-04. Review status: criteria provided, single submitter. Criteria: Ambry Variant Classification Scheme 2023. Collection method: clinical testing. Allele origin: germline.
Comment: The p.A808T variant (also known as c.2422G>A), located in coding exon 6 of the CDK12 gene, results from a G to A substitution at nucleotide position 2422. The alanine at codon 808 is replaced by threonine, an amino acid with similar properties. This amino acid position is conserved. In addition, the in silico prediction for this alteration is inconclusive. Based on the available evidence, the clinical significance of this variant remains unclear.

NM_016507.4(CDK12):c.2422G>A (p.Ala808Thr)

Gene: CDK12 (cyclin dependent kinase 12; plus strand). Cytogenetic location: 17q12.
Variant type: single nucleotide variant.
Coding change: c.2422G>A on transcript NM_016507.4 (MANE Select); coding-DNA position 2422, G replaced by A.
Protein change: p.Ala808Thr; replaces alanine 808 with threonine.
Molecular consequence: missense variant.
Genome position (GRCh38, 1-based): chr17:39,501,252, G>A. VCF-style: chr17-39501252-G-A. GRCh37 (hg19) VCF-style: chr17-37657505-G-A.
Other names: c.2422G>A, p.Ala808Thr (NM_015083.4); short protein forms A808T.
Identifiers: ClinVar variation 5034132 (VCV005034132.1).
Genomic context (GRCh38, chr17:39,501,252, plus strand): 5'-TGTTATTTCAGCATTCTTTTTTTTTTCTTGCTTTTAATTTTTTTTCGTCTTTATGTAGGT[G>A]CCTTTTACCTTGTATTTGAGTATATGGACCATGACTTAATGGGACTGCTAGAATCTGGTT-3'
Protein context (NP_057591.2, residues 798-818): DALDFKKDKG[Ala808Thr]FYLVFEYMDH